The following is an entry in ClinVar:

ClinVar aggregate classification (germline): Likely benign. Review status: criteria provided, multiple submitters, no conflicts (2 of 4 stars). 3 submissions from 3 submitters: Likely benign (3). Last evaluated 2024-03-08.

Conditions:
Hereditary cancer-predisposing syndrome. Also called: Tumor predisposition; Neoplastic Syndromes, Hereditary; Hereditary Cancer Syndrome; Hereditary neoplastic syndrome. Identifiers: Orphanet 140162, MedGen C0027672, MeSH D009386, MONDO:0015356.
Familial adenomatous polyposis 1 (FAP1). Also called: POLYPOSIS, ADENOMATOUS INTESTINAL; FAMILIAL ADENOMATOUS POLYPOSIS 1, ATTENUATED. Identifiers: MedGen C2713442, MONDO:0021056, OMIM 175100. Disease mechanism: loss of function.

Allele frequency attached by ClinVar (database versions not stated): gnomAD exomes below 0.00001; gnomAD 0.00001.
gnomAD v4.1: 4 of 1,610,178 alleles (0.00025%); highest among the groups gnomAD compares: East Asian, 0.0022%; no homozygotes.

Submissions (3):

Myriad Genetics, Inc.
Classification: Likely benign for Familial adenomatous polyposis 1. Last evaluated: 2024-03-08. Review status: criteria provided, single submitter. Criteria: Myriad Autosomal Dominant, Autosomal Recessive and X-Linked Classification Criteria (2023). Collection method: clinical testing. Allele origin: unknown.
Comment: This variant is considered likely benign. This variant is intronic and is not expected to impact mRNA splicing.

Ambry Genetics
Classification: Likely benign for Hereditary cancer-predisposing syndrome. Last evaluated: 2022-09-23. Review status: criteria provided, single submitter. Criteria: Ambry Variant Classification Scheme 2023. Collection method: clinical testing. Allele origin: germline.

Labcorp Genetics (formerly Invitae), Labcorp
Classification: Likely benign for Familial adenomatous polyposis 1. Last evaluated: 2021-03-02. Review status: criteria provided, single submitter. Criteria: Invitae Variant Classification Sherloc (09022015). Collection method: clinical testing. Allele origin: germline.

NM_000038.6(APC):c.1959-4T>C

Gene: APC (APC regulator of Wnt signaling pathway; plus strand). Cytogenetic location: 5q22.2.
Variant type: single nucleotide variant.
Coding change: c.1959-4T>C on transcript NM_000038.6 (MANE Select); 4 bases into the intron before coding-DNA position 1959, T replaced by C.
Molecular consequence: intron variant.
Genome position (GRCh38, 1-based): chr5:112,837,549, T>C. VCF-style: chr5-112837549-T-C. GRCh37 (hg19) VCF-style: chr5-112173246-T-C.
Other names: c.1959-4T>C (NM_001354895.2, NM_001127510.3); c.1989-4T>C (NM_001354897.2); c.1686-4T>C (NM_001354902.2); c.1905-4T>C (NM_001127511.3); c.1884-4T>C (NM_001354898.2); c.1581-4T>C (NM_001354904.2); c.1110-4T>C (NM_001354906.2); c.2013-4T>C (NM_001354896.2); and 5 more.
Identifiers: ClinVar variation 1455456 (VCV001455456.10), dbSNP rs1765069761, ClinGen allele CA1080230237.